The following is an entry in ClinVar:

ClinVar aggregate classification (germline): Uncertain significance (1 of 4 stars; one submission).

Conditions:
COL7A1-related disorder. Also called: COL7A1- related disorders; COL7A1-related condition.

Submission:

PreventionGenetics, part of Exact Sciences
Classification: Uncertain significance for COL7A1-related condition. Last evaluated: 2026-09-24. Review status: criteria provided, single submitter. Criteria: ACMG Guidelines, 2015. Collection method: clinical testing. Allele origin: germline.
Comment: The COL7A1 c.344G>A variant is predicted to result in the amino acid substitution p.Gly115Asp. To our knowledge, this variant has not been reported in the literature or in a large population database (gnomAD), indicating this variant is rare. At this time, the clinical significance of this variant is uncertain due to the absence of conclusive functional and genetic evidence.

NM_000094.4(COL7A1):c.344G>A (p.Gly115Asp)

Gene: COL7A1 (collagen type VII alpha 1 chain; minus strand). Cytogenetic location: 3p21.31.
Variant type: single nucleotide variant.
Coding change: c.344G>A on transcript NM_000094.4 (MANE Select); coding-DNA position 344, G replaced by A.
Protein change: p.Gly115Asp; replaces glycine 115 with aspartic acid.
Molecular consequence: missense variant.
Genome position (GRCh38, 1-based): chr3:48,593,619, C>T on the plus strand (G>A on the coding strand, the complement: COL7A1 is on the minus strand). VCF-style: chr3-48593619-C-T. GRCh37 (hg19) VCF-style: chr3-48631052-C-T.
Other names: short protein forms G115D.
Identifiers: ClinVar variation 4992225 (VCV004992225.1).